The following is an entry in ClinVar:

NM_001649.4(SHROOM2):c.2569G>A (p.Ala857Thr)

Gene: SHROOM2 (shroom family member 2; plus strand). Cytogenetic location: Xp22.2.
Variant type: single nucleotide variant.
Coding change: c.2569G>A on transcript NM_001649.4 (MANE Select); coding-DNA position 2569, G replaced by A.
Protein change: p.Ala857Thr; replaces alanine 857 with threonine.
Molecular consequence: missense variant.
Genome position (GRCh38, 1-based): chrX:9,896,477, G>A. VCF-style: chrX-9896477-G-A. GRCh37 (hg19) VCF-style: chrX-9864517-G-A.
Other names: short protein forms A857T.
Identifiers: ClinVar variation 3046703 (VCV003046703.2), dbSNP rs746770133, ClinGen allele CA10345583.

ClinVar aggregate classification (germline): Likely benign (0 of 4 stars; one submission).

Conditions:
SHROOM2-related disorder. Also called: SHROOM2-related condition.

Allele frequency attached by ClinVar (database versions not stated): gnomAD exomes 0.00003; TOPMed 0.00005; gnomAD 0.00012; ExAC 0.00017; 1000 Genomes Project 30x 0.00125; 1000 Genomes Project 0.00159.
gnomAD v4.1: 52 of 1,209,395 alleles (0.0043%); highest among the groups gnomAD compares: East Asian, 0.092%; no homozygotes.

Submission:

PreventionGenetics, part of Exact Sciences
Classification: Likely benign for SHROOM2-related condition. Last evaluated: 2022-10-18. Review status: no assertion criteria provided. Collection method: clinical testing. Allele origin: germline.
Comment: This variant is classified as likely benign based on ACMG/AMP sequence variant interpretation guidelines (Richards et al. 2015 PMID: 25741868, with internal and published modifications).